The following is an entry in ClinVar:

ClinVar aggregate classification (germline): Conflicting classifications of pathogenicity. Review status: criteria provided, conflicting classifications (1 of 4 stars). 5 submissions from 5 submitters: Uncertain significance (1); Benign (3); Likely benign (1). Last evaluated 2026-01-26.

Conditions:
Spastic paraplegia. Identifiers: MedGen C0037772, HP:0001258.
SACS-related disorder. Also called: SACS-related condition.
Charlevoix-Saguenay spastic ataxia (SACS). Also called: SPASTIC ATAXIA 6, AUTOSOMAL RECESSIVE; AUTOSOMAL RECESSIVE SPASTIC ATAXIA OF CHARLEVOIX-SAGUENAY; Spastic ataxia of Charlevoix-Saguenay. Identifiers: Orphanet 98, MedGen C1849140, MONDO:0010041, OMIM 270550.

Allele frequency attached by ClinVar (database versions not stated): gnomAD exomes 0.00007 and 0.00011; 1000 Genomes Project 30x 0.00016; ExAC 0.00016; 1000 Genomes Project 0.00020; ESP Exome Variant Server 0.00069; gnomAD 0.00076 and 0.00084; TOPMed 0.00092.
gnomAD v4.1: 221 of 1,614,062 alleles (0.014%); highest among the groups gnomAD compares: African/African-American, 0.27%; 1 homozygote.

Submissions (5):

Labcorp Genetics (formerly Invitae), Labcorp
Classification: Benign for Spastic paraplegia. Last evaluated: 2026-01-26. Review status: criteria provided, single submitter. Criteria: Invitae Variant Classification Sherloc (09022015). Collection method: clinical testing. Allele origin: germline.

PreventionGenetics, part of Exact Sciences
Classification: Likely benign for SACS-related condition. Last evaluated: 2025-12-22. Review status: criteria provided, single submitter. Criteria: ACMG Guidelines, 2015. Collection method: clinical testing. Allele origin: germline.
Comment: This variant is classified as likely benign based on ACMG/AMP sequence variant interpretation guidelines (Richards et al. 2015 PMID: 25741868, with internal and published modifications).

Athena Diagnostics
Classification: Benign. Last evaluated: 2024-04-24. Review status: criteria provided, single submitter. Criteria: Athena Diagnostics Criteria. Collection method: clinical testing. Allele origin: unknown.

Genome-Nilou Lab
Classification: Benign for Charlevoix-Saguenay spastic ataxia. Last evaluated: 2021-09-05. Review status: criteria provided, single submitter. Criteria: ACMG Guidelines, 2015. Collection method: clinical testing. Allele origin: germline. Affected: no.

Eurofins Ntd Llc (ga)
Classification: Uncertain significance. Last evaluated: 2016-05-13. Review status: criteria provided, single submitter. Criteria: EGL Classification Definitions 2015. Collection method: clinical testing. Allele origin: germline. Observed: 1 variant allele, 1 heterozygote.

NM_014363.6(SACS):c.1917A>G (p.Ala639=)

Gene: SACS (sacsin molecular chaperone; minus strand). Cytogenetic location: 13q12.12.
Variant type: single nucleotide variant.
Coding change: c.1917A>G on transcript NM_014363.6 (MANE Select); coding-DNA position 1917, A replaced by G.
Protein change: p.Ala639=; no amino-acid change (alanine 639 retained).
Molecular consequence: synonymous variant.
Genome position (GRCh38, 1-based): chr13:23,354,695, T>C on the plus strand (A>G on the coding strand, the complement: SACS is on the minus strand). VCF-style: chr13-23354695-T-C. GRCh37 (hg19) VCF-style: chr13-23928834-T-C.
Other names: c.1476A>G, p.Ala492= (NM_001278055.2).
Identifiers: ClinVar variation 287300 (VCV000287300.20), dbSNP rs138457742, ClinGen allele CA6911818.